The following is an entry in ClinVar:

ClinVar aggregate classification (germline): Benign/Likely benign. Review status: criteria provided, multiple submitters, no conflicts (2 of 4 stars). 14 submissions from 10 submitters: Benign (10); Likely benign (1). 3 of the submissions do not count toward it. Last evaluated 2026-02-03.

Conditions:
Fetal akinesia, respiratory insufficiency, microcephaly, polymicrogyria, and dysmorphic facies. Identifiers: MedGen C5562015, MONDO:0859204, OMIM 619602.
Developmental and epileptic encephalopathy 98. Identifiers: MedGen C5562017, MONDO:0030472, OMIM 619605.
Familial hemiplegic migraine. Identifiers: MedGen C0338484, MONDO:0000700.
Migraine, familial hemiplegic, 2. Identifiers: Orphanet 569, MedGen C1865322, MONDO:0011232, OMIM 602481.
Alternating hemiplegia of childhood 1 (AHC1). Identifiers: Orphanet 2131, MedGen C3549447, MONDO:0007087, OMIM 104290.

Allele frequency attached by ClinVar (database versions not stated): 1000 Genomes Project 30x 0.01483; 1000 Genomes Project 0.01498; TOPMed 0.03240; gnomAD exomes 0.03244; gnomAD 0.03261 and 0.03344; ExAC 0.03343; ESP Exome Variant Server 0.03591.
gnomAD v4.1: 72,763 of 1,614,142 alleles (4.5%); highest among the groups gnomAD compares: Non-Finnish European, 5.3%; 1,979 homozygotes.

Submissions (22):

Labcorp Genetics (formerly Invitae), Labcorp
Classification: Benign for Familial hemiplegic migraine. Last evaluated: 2026-02-03. Review status: criteria provided, single submitter. Criteria: Invitae Variant Classification Sherloc (09022015). Collection method: clinical testing. Allele origin: germline.

Blueprint Genetics
Classification: Likely benign. Last evaluated: 2024-11-26. Review status: criteria provided, single submitter. Criteria: ACMG Guidelines, 2015. Collection method: clinical testing. Allele origin: germline.

Genome-Nilou Lab
Classification: Benign for Alternating hemiplegia of childhood 1. Last evaluated: 2021-12-05. Review status: criteria provided, single submitter. Criteria: ACMG Guidelines, 2015. Collection method: clinical testing. Allele origin: germline. Affected: no.

Genome-Nilou Lab
Classification: Benign for Developmental and epileptic encephalopathy 98. Last evaluated: 2021-12-05. Review status: criteria provided, single submitter. Criteria: ACMG Guidelines, 2015. Collection method: clinical testing. Allele origin: germline. Affected: no.

Genome-Nilou Lab
Classification: Benign for Fetal akinesia, respiratory insufficiency, microcephaly, polymicrogyria, and dysmorphic facies. Last evaluated: 2021-12-05. Review status: criteria provided, single submitter. Criteria: ACMG Guidelines, 2015. Collection method: clinical testing. Allele origin: germline. Affected: no.

Genome-Nilou Lab
Classification: Benign for Migraine, familial hemiplegic, 2. Last evaluated: 2021-12-05. Review status: criteria provided, single submitter. Criteria: ACMG Guidelines, 2015. Collection method: clinical testing. Allele origin: germline. Affected: no.

Illumina Laboratory Services, Illumina
Classification: Benign for Alternating hemiplegia of childhood 1. Last evaluated: 2018-01-12. Review status: criteria provided, single submitter. Criteria: ICSL Variant Classification Criteria 13 December 2019. Collection method: clinical testing. Allele origin: germline.
Comment: This variant was observed in the ICSL laboratory as part of a predisposition screen in an ostensibly healthy population. It had not been previously curated by ICSL or reported in the Human Gene Mutation Database (HGMD: prior to June 1st, 2018), and was therefore a candidate for classification through an automated scoring system. Utilizing variant allele frequency, disease prevalence and penetrance estimates, and inheritance mode, an automated score was calculated to assess if this variant is too frequent to cause the disease. Based on the score and internal cut-off values, a variant classified as benign is not then subjected to further curation. The score for this variant resulted in a classification of benign for this disease.

Illumina Laboratory Services, Illumina
Classification: Benign for Migraine, familial hemiplegic, 2. Last evaluated: 2018-01-12. Review status: criteria provided, single submitter. Criteria: ICSL Variant Classification Criteria 13 December 2019. Collection method: clinical testing. Allele origin: germline.
Comment: the same text as in the submission from Illumina Laboratory Services, Illumina above.

GeneDx
Classification: Benign. Last evaluated: 2015-03-03. Review status: criteria provided, single submitter. Criteria: GeneDx Variant Classification Process June 2021. Collection method: clinical testing. Allele origin: germline. Affected: yes.

Breakthrough Genomics
Classification: Benign. Review status: criteria provided, single submitter. Criteria: ACMG Guidelines, 2015. Collection method: not provided. Allele origin: germline. Inheritance: Autosomal recessive inheritance. Affected: yes.

PreventionGenetics, part of Exact Sciences
Classification: Benign. Review status: criteria provided, single submitter. Criteria: ACMG Guidelines, 2015. Collection method: clinical testing. Allele origin: germline.

Dr. Peter K. Rogan Lab, Western University
No classification provided (evidence only). Condition: Uterine corpus endometrial carcinoma. Review status: no classification provided. Collection method: in vitro. Allele origin: not applicable. Functional consequence: retained intron. Not counted in ClinVar's aggregate classification.

Dr. Peter K. Rogan Lab, Western University
No classification provided (evidence only). Condition: Uterine corpus endometrial carcinoma. Review status: no classification provided. Collection method: in vitro. Allele origin: not applicable. Functional consequence: retained intron. Not counted in ClinVar's aggregate classification.

Dr. Peter K. Rogan Lab, Western University
No classification provided (evidence only). Condition: Thymoma. Review status: no classification provided. Collection method: in vitro. Allele origin: not applicable. Functional consequence: retained intron. Not counted in ClinVar's aggregate classification.

Dr. Peter K. Rogan Lab, Western University
No classification provided (evidence only). Condition: Gastric cancer. Review status: no classification provided. Collection method: in vitro. Allele origin: not applicable. Functional consequence: retained intron. Not counted in ClinVar's aggregate classification.

Dr. Peter K. Rogan Lab, Western University
No classification provided (evidence only). Condition: Malignant tumor of esophagus. Review status: no classification provided. Collection method: in vitro. Allele origin: not applicable. Functional consequence: retained intron. Not counted in ClinVar's aggregate classification.

Dr. Peter K. Rogan Lab, Western University
No classification provided (evidence only). Condition: Lymphoma. Review status: no classification provided. Collection method: in vitro. Allele origin: not applicable. Functional consequence: retained intron. Not counted in ClinVar's aggregate classification.

Dr. Peter K. Rogan Lab, Western University
No classification provided (evidence only). Condition: Lymphoma. Review status: no classification provided. Collection method: in vitro. Allele origin: not applicable. Functional consequence: retained intron. Not counted in ClinVar's aggregate classification.

Dr. Peter K. Rogan Lab, Western University
No classification provided (evidence only). Condition: Lymphoma. Review status: no classification provided. Collection method: in vitro. Allele origin: not applicable. Functional consequence: retained intron. Not counted in ClinVar's aggregate classification.

Genome Diagnostics Laboratory, University Medical Center Utrecht
Classification: Benign. Review status: no assertion criteria provided. Collection method: clinical testing. Allele origin: germline. Affected: yes. Study: VKGL Data-share Consensus. Not counted in ClinVar's aggregate classification.

Joint Genome Diagnostic Labs from Nijmegen and Maastricht, Radboudumc and MUMC+
Classification: Benign. Review status: no assertion criteria provided. Collection method: clinical testing. Allele origin: germline. Affected: yes. Study: VKGL Data-share Consensus. Not counted in ClinVar's aggregate classification.

Laboratory of Diagnostic Genome Analysis, Leiden University Medical Center (LUMC)
Classification: Likely benign. Review status: no assertion criteria provided. Collection method: clinical testing. Allele origin: germline. Affected: yes. Study: VKGL Data-share Consensus. Not counted in ClinVar's aggregate classification.

NM_000702.4(ATP1A2):c.1652-11C>G

Gene: ATP1A2 (ATPase Na+/K+ transporting subunit alpha 2; plus strand). Cytogenetic location: 1q23.2.
Variant type: single nucleotide variant.
Coding change: c.1652-11C>G on transcript NM_000702.4 (MANE Select); 11 bases into the intron before coding-DNA position 1652, C replaced by G.
Molecular consequence: intron variant.
Genome position (GRCh38, 1-based): chr1:160,130,411, C>G. VCF-style: chr1-160130411-C-G. GRCh37 (hg19) VCF-style: chr1-160100201-C-G.
Identifiers: ClinVar variation 256763 (VCV000256763.23), dbSNP rs17846713, ClinGen allele CA1194554.